The following is an entry in ClinVar:

ClinVar aggregate classification (germline): Uncertain significance (1 of 4 stars; one submission).

Submission:

CeGaT Center for Human Genetics Tuebingen
Classification: Uncertain significance. Last evaluated: 2026-01-01. Review status: criteria provided, single submitter. Criteria: CeGaT Center For Human Genetics Tuebingen Variant Classification Criteria Version 2. Collection method: clinical testing. Allele origin: germline. Affected: yes. Observed: 1 variant allele.
Comment: TTN: PM2, BP4, BP5

NM_001267550.2(TTN):c.16795G>T (p.Ala5599Ser)

Genes: TTN (titin; minus strand), LOC126806431 (CDK7 strongly-dependent group 2 enhancer GRCh37_chr2:179595719-179596918; plus strand). Cytogenetic location: 2q31.2.
Variant type: single nucleotide variant.
Coding change: c.16795G>T on transcript NM_001267550.2 (MANE Select); coding-DNA position 16795, G replaced by T.
Protein change: p.Ala5599Ser; replaces alanine 5599 with serine.
Molecular consequence: missense variant. On other transcripts: intron variant (3).
Genome position (GRCh38, 1-based): chr2:178,732,174, C>A on the plus strand (G>T on the coding strand, the complement: TTN is on the minus strand). VCF-style: chr2-178732174-C-A. GRCh37 (hg19) VCF-style: chr2-179596901-C-A.
Other names: c.15844G>T, p.Ala5282Ser (NM_001256850.1); c.13063G>T, p.Ala4355Ser (NM_133378.4); c.13282+5908G>T (NM_003319.4); c.13858+5908G>T (NM_133437.4); c.13657+5908G>T (NM_133432.3); short protein forms A4355S, A5282S, A5599S.
Identifiers: ClinVar variation 4820893 (VCV004820893.4).